The following is an entry in ClinVar:

ClinVar aggregate classification (germline): Uncertain significance (1 of 4 stars; one submission).

Allele frequency attached by ClinVar (database versions not stated): gnomAD 0.00001; TOPMed 0.00001; ExAC 0.00002; gnomAD exomes 0.00002.

Submission:

Labcorp Genetics (formerly Invitae), Labcorp
Classification: Uncertain significance. Last evaluated: 2024-01-20. Review status: criteria provided, single submitter. Criteria: Invitae Variant Classification Sherloc (09022015). Collection method: clinical testing. Allele origin: germline.
Comment: This sequence change creates a premature translational stop signal (p.Val569Phefs*6) in the ALPK1 gene. It is expected to result in an absent or disrupted protein product. However, the current clinical and genetic evidence is not sufficient to establish whether loss-of-function variants in ALPK1 cause disease. This variant is present in population databases (rs770906114, gnomAD 0.003%). This variant has not been reported in the literature in individuals affected with ALPK1-related conditions. In summary, the available evidence is currently insufficient to determine the role of this variant in disease. Therefore, it has been classified as a Variant of Uncertain Significance.

NM_025144.4(ALPK1):c.1704del (p.Val569fs)

Gene: ALPK1 (alpha kinase 1; plus strand). Cytogenetic location: 4q25.
Variant type: Deletion.
Coding change: c.1704del on transcript NM_025144.4 (MANE Select); coding-DNA position 1704, one base deleted (T; older notation c.1704delT).
Protein change: p.Val569fs; shifts the reading frame from valine 569.
Molecular consequence: frameshift variant.
Genome position (GRCh38, 1-based): chr4:112,431,251, T deleted. VCF-style (leftmost placement, unchanged base first): chr4-112431250-CT-C. GRCh37 (hg19) VCF-style: chr4-113352406-CT-C.
Other names: c.1704del, p.Val569fs (NM_001102406.2); c.1470del, p.Val491fs (NM_001253884.2); short protein forms V491fs, V569fs.
Identifiers: ClinVar variation 2892585 (VCV002892585.3), dbSNP rs770906114, ClinGen allele CA3046783.